The following is an entry in ClinVar:

ClinVar aggregate classification (germline): Likely pathogenic (1 of 4 stars; one submission).

Conditions:
AKR1D1-related disorder. Also called: AKR1D1-related condition.

gnomAD v4.1: 5 of 1,609,166 alleles (0.00031%); highest among the groups gnomAD compares: African/African-American, 0.0054%; no homozygotes.

Submission:

PreventionGenetics, part of Exact Sciences
Classification: Likely pathogenic for AKR1D1-related condition. Last evaluated: 2025-09-05. Review status: criteria provided, single submitter. Criteria: ACMG Guidelines, 2015. Collection method: clinical testing. Allele origin: germline.
Comment: The AKR1D1 c.452G>A variant is predicted to result in premature protein termination (p.Trp151*). To our knowledge, this variant has not been reported in the literature. This variant is reported in 0.00088% of alleles in individuals of European (Non-Finnish) descent in gnomAD. Nonsense variants in AKR1D1 are expected to be pathogenic. This variant is interpreted as likely pathogenic.

NM_005989.4(AKR1D1):c.452G>A (p.Trp151Ter)

Gene: AKR1D1 (aldo-keto reductase family 1 member D1; plus strand). Cytogenetic location: 7q33.
Variant type: single nucleotide variant.
Coding change: c.452G>A on transcript NM_005989.4 (MANE Select); coding-DNA position 452, G replaced by A.
Protein change: p.Trp151Ter; replaces tryptophan 151 with a stop codon.
Molecular consequence: nonsense.
Genome position (GRCh38, 1-based): chr7:138,097,939, G>A. VCF-style: chr7-138097939-G-A. GRCh37 (hg19) VCF-style: chr7-137782685-G-A.
Other names: c.452G>A, p.Trp151Ter (NM_001190906.2, NM_001190907.2); short protein forms W151*.
Identifiers: ClinVar variation 4986272 (VCV004986272.1).
Genomic context (GRCh38, chr7:138,097,939, plus strand): 5'-TATACCCTAGAGATGAGAATGGCAAATGGTTATATCACAAGTCAAATCTGTGTGCCACTT[G>A]GGAGGTAAGTTCAAATGTGCTTCTTATTTTAAAAGACGATATTTTTAAAACTGTGATCTG-3'